The following is an entry in ClinVar:

ClinVar aggregate classification (germline): Benign (3 of 4 stars; one submission).

Conditions:
Breast-ovarian cancer, familial, susceptibility to, 2 (BROVCA2). Also called: BRCA2 Hereditary Breast and Ovarian Cancer. Identifiers: Orphanet 145, MedGen C2675520, MONDO:0012933, OMIM 612555. Disease mechanism: loss of function.

Allele frequency attached by ClinVar (database versions not stated): gnomAD 0.00321 and 0.00336; TOPMed 0.00358; 1000 Genomes Project 30x 0.00547; 1000 Genomes Project 0.00619.
gnomAD v4.1: 481 of 152,322 alleles (0.32%); highest among the groups gnomAD compares: African/African-American, 1.1%; 2 homozygotes.

Submission:

Evidence-based Network for the Interpretation of Germline Mutant Alleles (ENIGMA)
Classification: Benign for Breast-ovarian cancer, familial 2. Last evaluated: 2015-01-12. Review status: reviewed by expert panel. Criteria: ENIGMA BRCA1/2 Classification Criteria (2015). Collection method: curation. Allele origin: germline.
Comment: Class 1 not pathogenic based on frequency >1% in an outbred sampleset. Frequency 0.0122 (African), derived from 1000 genomes (2012-04-30).

NM_000059.4(BRCA2):c.316+2611T>C

Gene: BRCA2 (BRCA2 DNA repair associated; plus strand). Cytogenetic location: 13q13.1.
Variant type: single nucleotide variant.
Coding change: c.316+2611T>C on transcript NM_000059.4 (MANE Select); 2611 bases into the intron after coding-DNA position 316, T replaced by C.
Molecular consequence: intron variant.
Genome position (GRCh38, 1-based): chr13:32,321,936, T>C. VCF-style: chr13-32321936-T-C. GRCh37 (hg19) VCF-style: chr13-32896073-T-C.
Other names: IVS 3+2611T>C.
Identifiers: ClinVar variation 209631 (VCV000209631.1), dbSNP rs185295915, ClinGen allele CA276600.